The following is an entry in ClinVar:

ClinVar aggregate classification (germline): Uncertain significance (1 of 4 stars; one submission).

Conditions:
Spinocerebellar ataxia type 26 (SCA26). Identifiers: Orphanet 101112, MedGen C1836395, MONDO:0012246, OMIM 609306.

Submission:

Victorian Clinical Genetics Services, Murdoch Childrens Research Institute
Classification: Uncertain significance for Spinocerebellar ataxia type 26. Last evaluated: 2022-03-31. Review status: criteria provided, single submitter. Criteria: ACMG Guidelines, 2015. Collection method: clinical testing. Allele origin: germline. Inheritance: Autosomal dominant inheritance. Affected: yes.
Comment: Based on the classification scheme VCGS_Germline_v1.3.4, this variant is classified as VUS-3A. Following criteria are met: 0105 - The mechanism of disease for this gene is not clearly established. While cell growth, sensitivity to translational inhibitors and translational fidelity were assessed, the variants assessed did not exhibit similar effects (PMID: 33355653). (I) 0107 - This gene is associated with autosomal dominant disease. (I) 0200 - Variant is predicted to result in a missense amino acid change from methionine to isoleucine. (I) 0251 - This variant is heterozygous. (I) 0301 - Variant is absent from gnomAD (both v2 and v3). (SP) 0502 - Missense variant with conflicting in silico predictions and uninformative conservation. (I) 0600 - Variant is located in the annotated elongation factor Tu domain (DECIPHER). (I) 0705 - No comparable missense variants have previous evidence for pathogenicity. (I) 0807 - This variant has no previous evidence of pathogenicity. (I) 0905 - No published segregation evidence has been identified for this variant. (I) 1007 - No published functional evidence has been identified for this variant. (SP) Legend: (SP) - Supporting pathogenic, (I) - Information, (SB) - Supporting benign

Literature cited by the submitters: PubMed 33355653.

NM_001961.4(EEF2):c.1359G>A (p.Met453Ile)

Gene: EEF2 (eukaryotic translation elongation factor 2; minus strand). Cytogenetic location: 19p13.3.
Variant type: single nucleotide variant.
Coding change: c.1359G>A on transcript NM_001961.4 (MANE Select); coding-DNA position 1359, G replaced by A.
Protein change: p.Met453Ile; replaces methionine 453 with isoleucine.
Molecular consequence: missense variant.
Genome position (GRCh38, 1-based): chr19:3,980,054, C>T on the plus strand (G>A on the coding strand, the complement: EEF2 is on the minus strand). VCF-style: chr19-3980054-C-T. GRCh37 (hg19) VCF-style: chr19-3980052-C-T.
Other names: short protein forms M453I.
Identifiers: ClinVar variation 1699353 (VCV001699353.3), dbSNP rs2145360047, ClinGen allele CA403392368.